The following is an entry in ClinVar:

ClinVar aggregate classification (germline): Pathogenic (1 of 4 stars; one submission).

Conditions:
Mitochondrial complex II deficiency, nuclear type 1. Also called: SUCCINATE CoQ REDUCTASE DEFICIENCY. Identifiers: Orphanet 3208, MedGen C5700310, MONDO:0100294, OMIM 252011.
Pheochromocytoma/paraganglioma syndrome 5. Also called: Paragangliomas 5; SDHA-Related Hereditary Paraganglioma-Pheochromocytoma Syndrome. Identifiers: Orphanet 29072, MedGen C3279992, MONDO:0013602, OMIM 614165.

Submission:

Labcorp Genetics (formerly Invitae), Labcorp
Classification: Pathogenic for Pheochromocytoma/paraganglioma syndrome 5; Mitochondrial complex II deficiency, nuclear type 1. Last evaluated: 2021-06-29. Review status: criteria provided, single submitter. Criteria: Invitae Variant Classification Sherloc (09022015). Collection method: clinical testing. Allele origin: germline.
Comment: This variant is not present in population databases (ExAC no frequency). This sequence change affects the initiator methionine of the SDHA mRNA. The next in-frame methionine is located at codon 114. Disruption of the initiator codon has been observed in individuals with clinical features of SDHA-related conditions (PMID: 26722403, 28384794; Invitae). For these reasons, this variant has been classified as Pathogenic.

Literature cited by the submitters: PubMed 26722403; PubMed 28384794.

NM_004168.4(SDHA):c.3G>C (p.Met1Ile)

Gene: SDHA (succinate dehydrogenase complex flavoprotein subunit A; plus strand). Cytogenetic location: 5p15.33.
Variant type: single nucleotide variant.
Coding change: c.3G>C on transcript NM_004168.4 (MANE Select); coding-DNA position 3, G replaced by C.
Protein change: p.Met1Ile; changes the start codon (methionine 1).
Molecular consequence: missense variant, initiator codon variant.
Genome position (GRCh38, 1-based): chr5:218,358, G>C. VCF-style: chr5-218358-G-C. GRCh37 (hg19) VCF-style: chr5-218473-G-C.
Other names: c.3G>C, p.Met1Ile (NM_001294332.2, NM_001330758.2); short protein forms M1I.
Identifiers: ClinVar variation 1455102 (VCV001455102.7), dbSNP rs2126522051, ClinGen allele CA359007236.